The following is an entry in ClinVar:

ClinVar aggregate classification (germline): Conflicting classifications of pathogenicity. Review status: criteria provided, conflicting classifications (1 of 4 stars). 4 submissions from 4 submitters: Pathogenic (1); Likely pathogenic (1); Uncertain significance (1). 1 of the submissions does not count toward it. Last evaluated 2024-06-04.

Conditions:
Autosomal dominant nonsyndromic hearing loss 11. Identifiers: Orphanet 90635, MedGen C1832475, MONDO:0011032, OMIM 601317.
Usher syndrome type 1B (USH1B). Also called: Usher syndrome type IB. Identifiers: MedGen C1848638, MONDO:0700087.

Allele frequency attached by ClinVar (database versions not stated): TOPMed below 0.00001; gnomAD exomes 0.00001; ExAC 0.00002.
gnomAD v4.1: 13 of 1,613,922 alleles (0.00081%); highest among the groups gnomAD compares: East Asian, 0.0022%; no homozygotes.

Submissions (4):

Laboratory of Prof. Karen Avraham, Tel Aviv University
Classification: Pathogenic for Autosomal dominant nonsyndromic hearing loss 11. Last evaluated: 2024-06-04. Review status: criteria provided, single submitter. Criteria: ACMG Guidelines, 2015. Collection method: research. Allele origin: germline. Affected: yes. Observed: 1 variant allele.
Comment: Known DFNA11 variant

DFNA11; profound SNHL

Labcorp Genetics (formerly Invitae), Labcorp
Classification: Uncertain significance. Last evaluated: 2022-10-19. Review status: criteria provided, single submitter. Criteria: Invitae Variant Classification Sherloc (09022015). Collection method: clinical testing. Allele origin: germline.
Comment: This sequence change replaces arginine, which is basic and polar, with cysteine, which is neutral and slightly polar, at codon 147 of the MYO7A protein (p.Arg147Cys). This variant is present in population databases (rs782808261, gnomAD 0.006%). This variant has not been reported in the literature in individuals affected with MYO7A-related conditions. ClinVar contains an entry for this variant (Variation ID: 522937). Advanced modeling of protein sequence and biophysical properties (such as structural, functional, and spatial information, amino acid conservation, physicochemical variation, residue mobility, and thermodynamic stability) has been performed at Invitae for this missense variant, however the output from this modeling did not meet the statistical confidence thresholds required to predict the impact of this variant on MYO7A protein function. In summary, the available evidence is currently insufficient to determine the role of this variant in disease. Therefore, it has been classified as a Variant of Uncertain Significance.

Genomic Research Center, Shahid Beheshti University of Medical Sciences
Classification: Likely pathogenic for Autosomal dominant nonsyndromic hearing loss 11. Last evaluated: 2017-12-18. Review status: criteria provided, single submitter. Criteria: ACMG Guidelines, 2015. Collection method: clinical testing. Allele origin: inherited. Affected: yes.

Natera, Inc.
Classification: Uncertain significance for Usher syndrome type 1B. Last evaluated: 2020-11-19. Review status: no assertion criteria provided. Collection method: clinical testing. Allele origin: germline. Not counted in ClinVar's aggregate classification.

NM_000260.4(MYO7A):c.439C>T (p.Arg147Cys)

Gene: MYO7A (myosin VIIA; plus strand). Cytogenetic location: 11q13.5.
Variant type: single nucleotide variant.
Coding change: c.439C>T on transcript NM_000260.4 (MANE Select); coding-DNA position 439, C replaced by T.
Protein change: p.Arg147Cys; replaces arginine 147 with cysteine.
Molecular consequence: missense variant.
Genome position (GRCh38, 1-based): chr11:77,156,060, C>T. VCF-style: chr11-77156060-C-T. GRCh37 (hg19) VCF-style: chr11-76867106-C-T.
Other names: c.439C>T, p.Arg147Cys (NM_001127180.2); c.406C>T, p.Arg136Cys (NM_001369365.1); short protein forms R147C, R136C.
Identifiers: ClinVar variation 522937 (VCV000522937.13), dbSNP rs782808261, ClinGen allele CA6197128.